The following is an entry in ClinVar:

ClinVar aggregate classification (germline): Likely benign (1 of 4 stars; one submission).

Allele frequency attached by ClinVar (database versions not stated): 1000 Genomes Project 30x 0.00062; 1000 Genomes Project 0.00080; TOPMed 0.00147; gnomAD 0.00186; ESP Exome Variant Server 0.00205; gnomAD exomes 0.00212.
gnomAD v4.1: 3,348 of 1,612,078 alleles (0.21%); highest among the groups gnomAD compares: Non-Finnish European, 0.24%; 5 homozygotes.

Submission:

CeGaT Center for Human Genetics Tuebingen
Classification: Likely benign. Last evaluated: 2022-07-01. Review status: criteria provided, single submitter. Criteria: CeGaT Center For Human Genetics Tuebingen Variant Classification Criteria Version 2. Collection method: clinical testing. Allele origin: germline. Affected: yes. Observed: 1 variant allele.
Comment: CLUH: BP4, BP7

NM_001366661.1(CLUH):c.846C>T (p.Ala282=)

Gene: CLUH (CLUH binding protein of NUMT mRNA; minus strand). Cytogenetic location: 17p13.3.
Variant type: single nucleotide variant.
Coding change: c.846C>T on transcript NM_001366661.1 (MANE Select); coding-DNA position 846, C replaced by T.
Protein change: p.Ala282=; no amino-acid change (alanine 282 retained).
Molecular consequence: synonymous variant.
Genome position (GRCh38, 1-based): chr17:2,701,419, G>A on the plus strand (C>T on the coding strand, the complement: CLUH is on the minus strand). VCF-style: chr17-2701419-G-A. GRCh37 (hg19) VCF-style: chr17-2604713-G-A.
Other names: c.732C>T, p.Ala244= (NM_001366662.1); c.846C>T, p.Ala282= (NM_015229.4).
Identifiers: ClinVar variation 2647227 (VCV002647227.24), dbSNP rs183173705, ClinGen allele CA8284805.